The following is an entry in ClinVar:

NM_001082971.2(DDC):c.569A>T (p.Gln190Leu)

Gene: DDC (dopa decarboxylase; minus strand). Cytogenetic location: 7p12.1.
Variant type: single nucleotide variant.
Coding change: c.569A>T on transcript NM_001082971.2 (MANE Select); coding-DNA position 569, A replaced by T.
Protein change: p.Gln190Leu; replaces glutamine 190 with leucine.
Molecular consequence: missense variant. On other transcripts: intron variant (1).
Genome position (GRCh38, 1-based): chr7:50,529,209, T>A on the plus strand (A>T on the coding strand, the complement: DDC is on the minus strand). VCF-style: chr7-50529209-T-A. GRCh37 (hg19) VCF-style: chr7-50596907-T-A.
Other names: c.569A>T, p.Gln190Leu (NM_000790.4, NM_001242887.2, NM_001242890.2); c.455A>T, p.Gln152Leu (NM_001242886.2); c.335A>T, p.Gln112Leu (NM_001242888.2); c.435+8651A>T (NM_001242889.2); short protein forms Q112L, Q152L, Q190L.
Identifiers: ClinVar variation 1427196 (VCV001427196.5), dbSNP rs778157048, ClinGen allele CA4262337.

ClinVar aggregate classification (germline): Uncertain significance (1 of 4 stars; one submission).

Conditions:
Deficiency of aromatic-L-amino-acid decarboxylase. Also called: AADC DEFICIENCY; DDC DEFICIENCY; DOPA DECARBOXYLASE DEFICIENCY; Aromatic amino acid decarboxylase deficiency; Aromatic L-Amino Acid Decarboxylase Deficiency. Identifiers: Orphanet 35708, MedGen C1291564, MONDO:0012084, OMIM 608643.

Allele frequency attached by ClinVar (database versions not stated): ExAC 0.00001; gnomAD 0.00001; gnomAD exomes 0.00001; TOPMed 0.00001.
gnomAD v4.1: 47 of 1,612,934 alleles (0.0029%); highest among the groups gnomAD compares: Non-Finnish European, 0.004%; no homozygotes.

Submission:

Labcorp Genetics (formerly Invitae), Labcorp
Classification: Uncertain significance for Deficiency of aromatic-L-amino-acid decarboxylase. Last evaluated: 2022-06-09. Review status: criteria provided, single submitter. Criteria: Invitae Variant Classification Sherloc (09022015). Collection method: clinical testing. Allele origin: germline.
Comment: This sequence change replaces glutamine, which is neutral and polar, with leucine, which is neutral and non-polar, at codon 190 of the DDC protein (p.Gln190Leu). This variant is present in population databases (rs778157048, gnomAD 0.002%). This variant has not been reported in the literature in individuals affected with DDC-related conditions. Algorithms developed to predict the effect of missense changes on protein structure and function (SIFT, PolyPhen-2, Align-GVGD) all suggest that this variant is likely to be disruptive. In summary, the available evidence is currently insufficient to determine the role of this variant in disease. Therefore, it has been classified as a Variant of Uncertain Significance.